The following is an entry in ClinVar:

NM_001122630.2(CDKN1C):c.74_75del (p.Pro25fs)

Gene: CDKN1C (cyclin dependent kinase inhibitor 1C; minus strand). Cytogenetic location: 11p15.4.
Variant type: Deletion.
Coding change: c.74_75del on transcript NM_001122630.2 (MANE Select); coding-DNA positions 74 to 75, 2 bases deleted (CG; older notation c.74_75delCG).
Protein change: p.Pro25fs; shifts the reading frame from proline 25.
Molecular consequence: frameshift variant.
Genome position (GRCh38, 1-based): chr11:2,885,382-2,885,383, CG deleted on the plus strand (CG on the coding strand, the reverse complement: CDKN1C is on the minus strand). VCF-style (leftmost placement, unchanged base first): chr11-2885381-CCG-C. GRCh37 (hg19) VCF-style: chr11-2906611-CCG-C.
Other names: c.107_108del, p.Pro36fs (NM_000076.2, NM_001362474.2); c.74_75del, p.Pro25fs (NM_001122631.2, NM_001362475.2); short protein forms P25fs, P36fs.
Identifiers: ClinVar variation 957972 (VCV000957972.7), dbSNP rs1848978708, ClinGen allele CA1139661764.
Genomic context (GRCh38, chr11:2,885,381, plus strand): 5'-CCTCGGCGTTCAGCTCGGCCAGGCGGGCCTGCAGCTCGCGGCTCAGCTCCTCGTGGTCCA[CCG>C]GCCCGAAGAGGCTGCGGCAGGCGCTGGTGCGCACTAGTACTGGGAAGGTCCCACGGGCGA-3'

ClinVar aggregate classification (germline): Pathogenic (1 of 4 stars; one submission).

Conditions:
Beckwith-Wiedemann syndrome (BWS). Also called: Exomphalos macroglossia gigantism syndrome; EMG SYNDROME. Identifiers: Orphanet 116, MedGen C0004903, MONDO:0007534, OMIM 130650.

Submission:

Labcorp Genetics (formerly Invitae), Labcorp
Classification: Pathogenic for Beckwith-Wiedemann syndrome. Last evaluated: 2019-11-14. Review status: criteria provided, single submitter. Criteria: Invitae Variant Classification Sherloc (09022015). Collection method: clinical testing. Allele origin: germline.
Comment: This variant is not present in population databases (ExAC no frequency). This sequence change creates a premature translational stop signal (p.Pro36Argfs*88) in the CDKN1C gene. It is expected to result in an absent or disrupted protein product. This variant has not been reported in the literature in individuals with CDKN1C-related conditions. For these reasons, this variant has been classified as Pathogenic. Loss-of-function variants in CDKN1C are known to be pathogenic (PMID: 20503313).

Literature cited by the submitters: PubMed 20503313.